The following is an entry in ClinVar:

ClinVar aggregate classification (germline): Uncertain significance (1 of 4 stars; one submission).

Allele frequency attached by ClinVar (database versions not stated): ExAC 0.00001.

Submission:

Ambry Genetics
Classification: Uncertain significance. Last evaluated: 2023-03-10. Review status: criteria provided, single submitter. Criteria: Ambry Variant Classification Scheme 2023. Collection method: clinical testing. Allele origin: germline.
Comment: The p.S27N variant (also known as c.80G>A), located in coding exon 1 of the TERF2IP gene, results from a G to A substitution at nucleotide position 80. The serine at codon 27 is replaced by asparagine, an amino acid with highly similar properties. This amino acid position is conserved. In addition, this alteration is predicted to be tolerated by in silico analysis. Since supporting evidence is limited at this time, the clinical significance of this alteration remains unclear.

NM_018975.4(TERF2IP):c.80G>A (p.Ser27Asn)

Gene: TERF2IP (TERF2 interacting protein; plus strand). Cytogenetic location: 16q23.1.
Variant type: single nucleotide variant.
Coding change: c.80G>A on transcript NM_018975.4 (MANE Select); coding-DNA position 80, G replaced by A.
Protein change: p.Ser27Asn; replaces serine 27 with asparagine.
Molecular consequence: missense variant. On other transcripts: non-coding transcript variant (1).
Genome position (GRCh38, 1-based): chr16:75,647,962, G>A. VCF-style: chr16-75647962-G-A. GRCh37 (hg19) VCF-style: chr16-75681860-G-A.
Other names: short protein forms S27N.
Identifiers: ClinVar variation 2447540 (VCV002447540.2), dbSNP rs768633460, ClinGen allele CA8177929.
Genomic context (GRCh38, chr16:75,647,962, plus strand): 5'-TGGGCAAAGACCCCAACGGGCCCACCCATTCCTCGACTCTGTTCGTGAGGGACGACGGCA[G>A]CTCCATGTCCTTCTACGTGCGGCCCAGCCCGGCCAAGCGTCGGCTGTCGACGCTCATCCT-3'
Protein context (NP_061848.2, residues 17-37): SSTLFVRDDG[Ser27Asn]SMSFYVRPSP